The following is an entry in ClinVar:

ClinVar aggregate classification (germline): Likely benign (1 of 4 stars; one submission).

Allele frequency attached by ClinVar (database versions not stated): 1000 Genomes Project 0.00220; ESP Exome Variant Server 0.00257; TOPMed 0.00284; gnomAD 0.00378; ExAC 0.00444; gnomAD exomes 0.00450; 1000 Genomes Project 30x 0.00203.
gnomAD v4.1: 7,090 of 1,614,048 alleles (0.44%); highest among the groups gnomAD compares: Admixed American, 0.54%; 37 homozygotes.

Submission:

CeGaT Center for Human Genetics Tuebingen
Classification: Likely benign. Last evaluated: 2026-08-01. Review status: criteria provided, single submitter. Criteria: CeGaT Center For Human Genetics Tuebingen Variant Classification Criteria Version 2. Collection method: clinical testing. Allele origin: germline. Affected: yes. Observed: 6 variant alleles.
Comment: RAP1GDS1: BS2

NM_001100427.2(RAP1GDS1):c.313G>A (p.Val105Met)

Gene: RAP1GDS1 (Rap1 GTPase-GDP dissociation stimulator 1; plus strand). Cytogenetic location: 4q23.
Variant type: single nucleotide variant.
Coding change: c.313G>A on transcript NM_001100427.2 (MANE Select); coding-DNA position 313, G replaced by A.
Protein change: p.Val105Met; replaces valine 105 with methionine.
Molecular consequence: missense variant.
Genome position (GRCh38, 1-based): chr4:98,352,553, G>A. VCF-style: chr4-98352553-G-A. GRCh37 (hg19) VCF-style: chr4-99273704-G-A.
Other names: c.316G>A, p.Val106Met (NM_001100426.2, NM_001100428.2, NM_001100430.2 and 1 more transcripts); c.313G>A, p.Val105Met (NM_001100429.2); short protein forms V105M, V106M.
Identifiers: ClinVar variation 2654961 (VCV002654961.24), dbSNP rs61758810, ClinGen allele CA3017045.